The following is an entry in ClinVar:

ClinVar aggregate classification (germline): Likely pathogenic (1 of 4 stars; one submission).

Submission:

GeneDx
Classification: Likely pathogenic. Last evaluated: 2020-01-14. Review status: criteria provided, single submitter. Criteria: GeneDx Variant Classification Process June 2021. Collection method: clinical testing. Allele origin: germline. Affected: yes.
Comment: Frameshift variant in the C-terminus predicted to result in protein truncation, as the last 276 amino acids are lost and replaced with 58 incorrect amino acids; Not observed in large population cohorts (Lek et al., 2016); Has not been previously published as pathogenic or benign to our knowledge

NM_005664.4(MKRN3):c.694_695del (p.Arg232fs)

Gene: MKRN3 (makorin ring finger protein 3; plus strand). Cytogenetic location: 15q11.2.
Variant type: Microsatellite.
Coding change: c.694_695del on transcript NM_005664.4 (MANE Select); coding-DNA positions 694 to 695, 2 bases deleted (AG; older notation c.694_695delAG).
Protein change: p.Arg232fs; shifts the reading frame from arginine 232.
Molecular consequence: frameshift variant.
Genome position (GRCh38, 1-based): chr15:23,566,476-23,566,477, AG deleted; deleting any 2 consecutive bases within chr15:23,566,473-23,566,477 gives the same sequence; the c. name uses the placement nearest the transcript's 3' end. VCF-style (leftmost placement, unchanged base first): chr15-23566472-TGA-T. GRCh37 (hg19) VCF-style: chr15-23811619-TGA-T.
Other names: c.694_695delAG (NM_005664.3); short protein forms R232fs.
Identifiers: ClinVar variation 523975 (VCV000523975.3), dbSNP rs1555370456, ClinGen allele CA658798280.